The following is an entry in ClinVar:

NM_001267550.2(TTN):c.50212G>A (p.Glu16738Lys)

Genes: TTN-AS1 (TTN antisense RNA 1; plus strand), TTN (titin; minus strand). Cytogenetic location: 2q31.2.
Variant type: single nucleotide variant.
Coding change: c.50212G>A on transcript NM_001267550.2 (MANE Select); coding-DNA position 50212, G replaced by A.
Protein change: p.Glu16738Lys; replaces glutamic acid 16738 with lysine.
Molecular consequence: missense variant.
Genome position (GRCh38, 1-based): chr2:178,612,313, C>T on the plus strand (G>A on the coding strand, the complement: TTN is on the minus strand). VCF-style: chr2-178612313-C-T. GRCh37 (hg19) VCF-style: chr2-179477040-C-T.
Other names: p.E15097K:GAA>AAA; p.Glu14170Lys; c.45289G>A, p.Glu15097Lys (NM_001256850.1); c.23017G>A, p.Glu7673Lys (NM_003319.4); c.42508G>A, p.Glu14170Lys (NM_133378.4); c.23392G>A, p.Glu7798Lys (NM_133432.3); c.23593G>A, p.Glu7865Lys (NM_133437.4); short protein forms E15097K, E16738K, E7798K, E14170K, E7673K, E7865K.
Identifiers: ClinVar variation 202683 (VCV000202683.18), dbSNP rs148018042, ClinGen allele CA309971.

ClinVar aggregate classification (germline): Conflicting classifications of pathogenicity. Review status: criteria provided, conflicting classifications (1 of 4 stars). 12 submissions from 12 submitters: Uncertain significance (6); Likely benign (6). Last evaluated 2025-09-22.

Conditions:
TTN-related disorder. Also called: TTN-related condition; TTN-related disease; TTN-related disorders.
Dilated cardiomyopathy 1G (CMD1G). Identifiers: Orphanet 154, MedGen C1858763, MONDO:0011400, OMIM 604145.
Autosomal recessive limb-girdle muscular dystrophy type 2J (LGMDR10). Also called: Limb-girdle muscular dystrophy, type 2J; MUSCULAR DYSTROPHY, LIMB-GIRDLE, AUTOSOMAL RECESSIVE 10. Identifiers: Orphanet 140922, MedGen C1837342, MONDO:0012127, OMIM 608807.
Cardiovascular phenotype. Identifiers: MedGen CN230736.
Hypertrophic cardiomyopathy 9. Also called: Familial hypertrophic cardiomyopathy 9. Identifiers: MedGen C1861065, MONDO:0013412, OMIM 613765.
Cardiomyopathy (CMYO). Also called: Cardiomyopathies. Identifiers: Orphanet 167848, MedGen C0878544, MONDO:0004994, HP:0001638. Inheritance: Various modes of inheritance.

Allele frequency attached by ClinVar (database versions not stated): ESP Exome Variant Server 0.00008; gnomAD exomes 0.00013; ExAC 0.00014; TOPMed 0.00015; gnomAD 0.00017 and 0.00019; 1000 Genomes Project 0.00040; 1000 Genomes Project 30x 0.00062.
gnomAD v4.1: 354 of 1,612,554 alleles (0.022%); highest among the groups gnomAD compares: Non-Finnish European, 0.027%; 1 homozygote.

Submissions (12):

Women's Health and Genetics/Laboratory Corporation of America, LabCorp
Classification: Uncertain significance. Last evaluated: 2025-09-22. Review status: criteria provided, single submitter. Criteria: LabCorp Variant Classification Summary - May 2015. Collection method: clinical testing. Allele origin: germline.
Comment: Variant summary: TTN c.42508G>A (p.Glu14170Lys) results in a conservative amino acid change located in the A-Band region of the encoded protein sequence. Algorithms developed to predict the effect of missense changes on protein structure and function are either unavailable or do not agree on the potential impact of this missense change. The variant allele was found at a frequency of 0.00013 in 247718 control chromosomes in the gnomAD database, including 1 homozygotes. This frequency is not significantly higher than estimated for disease-causing variants in TTN, allowing no conclusion about variant significance. To our knowledge, no occurrence of c.42508G>A in individuals affected with TTN-related conditions and no experimental evidence demonstrating its impact on protein function have been reported. ClinVar contains an entry for this variant (Variation ID: 202683). Based on the evidence outlined above, the variant was classified as uncertain significance.

PreventionGenetics, part of Exact Sciences
Classification: Likely benign for TTN-related condition. Last evaluated: 2025-09-07. Review status: criteria provided, single submitter. Criteria: ACMG Guidelines, 2015. Collection method: clinical testing. Allele origin: germline.
Comment: This variant is classified as likely benign based on ACMG/AMP sequence variant interpretation guidelines (Richards et al. 2015 PMID: 25741868, with internal and published modifications).

Mayo Clinic Laboratories, Mayo Clinic
Classification: Uncertain significance. Last evaluated: 2025-05-12. Review status: criteria provided, single submitter. Criteria: ACMG Guidelines, 2015. Collection method: clinical testing. Allele origin: germline. Observed: 1 variant allele.

Molecular Diagnostic Laboratory for Inherited Cardiovascular Disease, Montreal Heart Institute
Classification: Likely benign. Last evaluated: 2025-04-09. Review status: criteria provided, single submitter. Criteria: ACMG Guidelines, 2015. Collection method: clinical testing. Allele origin: germline. Affected: no.

Blueprint Genetics
Classification: Likely benign. Last evaluated: 2024-07-03. Review status: criteria provided, single submitter. Criteria: ACMG Guidelines, 2015. Collection method: clinical testing. Allele origin: germline.

Revvity Omics, Revvity
Classification: Uncertain significance. Last evaluated: 2024-01-30. Review status: criteria provided, single submitter. Criteria: ACMG Guidelines, 2015. Collection method: clinical testing. Allele origin: germline.

New York Genome Center
Classification: Uncertain significance for Dilated cardiomyopathy 1G; Hypertrophic cardiomyopathy 9. Last evaluated: 2022-11-18. Review status: criteria provided, single submitter. Criteria: NYGC Assertion Criteria 2020. Collection method: clinical testing. Allele origin: germline. Observed: 1 heterozygote.

CHEO Genetics Diagnostic Laboratory, Children's Hospital of Eastern Ontario
Classification: Likely benign for Cardiomyopathy. Last evaluated: 2022-11-16. Review status: criteria provided, single submitter. Criteria: ACMG Guidelines, 2015. Collection method: clinical testing. Allele origin: germline.

Ambry Genetics
Classification: Likely benign for Cardiovascular phenotype. Last evaluated: 2020-06-22. Review status: criteria provided, single submitter. Criteria: Ambry Variant Classification Scheme 2023. Collection method: clinical testing. Allele origin: germline.

Athena Diagnostics
Classification: Uncertain significance. Last evaluated: 2018-11-21. Review status: criteria provided, single submitter. Criteria: Athena Diagnostics Criteria. Collection method: clinical testing. Allele origin: germline.

Labcorp Genetics (formerly Invitae), Labcorp
Classification: Uncertain significance for Dilated cardiomyopathy 1G; Autosomal recessive limb-girdle muscular dystrophy type 2J. Last evaluated: 2017-11-06. Review status: criteria provided, single submitter. Criteria: Invitae Variant Classification Sherloc (09022015). Collection method: clinical testing. Allele origin: germline.

GeneDx
Classification: Likely benign. Last evaluated: 2017-10-03. Review status: criteria provided, single submitter. Criteria: GeneDx Variant Classification (06012015). Collection method: clinical testing. Allele origin: germline. Affected: yes.
Comment: This variant is considered likely benign or benign based on one or more of the following criteria: it is a conservative change, it occurs at a poorly conserved position in the protein, it is predicted to be benign by multiple in silico algorithms, and/or has population frequency not consistent with disease.